The following is an entry in ClinVar:

NM_001105206.3(LAMA4):c.2083A>G (p.Ser695Gly)

Gene: LAMA4 (laminin subunit alpha 4; minus strand). Cytogenetic location: 6q21.
Variant type: single nucleotide variant.
Coding change: c.2083A>G on transcript NM_001105206.3 (MANE Select); coding-DNA position 2083, A replaced by G.
Protein change: p.Ser695Gly; replaces serine 695 with glycine.
Molecular consequence: missense variant.
Genome position (GRCh38, 1-based): chr6:112,150,601, T>C on the plus strand (A>G on the coding strand, the complement: LAMA4 is on the minus strand). VCF-style: chr6-112150601-T-C. GRCh37 (hg19) VCF-style: chr6-112471803-T-C.
Other names: c.2062A>G, p.Ser688Gly (NM_001105207.3, NM_002290.5); short protein forms S688G, S695G.
Identifiers: ClinVar variation 2447556 (VCV002447556.2), dbSNP rs1470373598, ClinGen allele CA365363353.

ClinVar aggregate classification (germline): Uncertain significance (1 of 4 stars; one submission).

Conditions:
Cardiovascular phenotype. Identifiers: MedGen CN230736.

Allele frequency attached by ClinVar (database versions not stated): gnomAD exomes below 0.00001; gnomAD 0.00001; TOPMed 0.00001.
gnomAD v4.1: 2 of 1,613,854 alleles (0.00012%); highest among the groups gnomAD compares: African/African-American, 0.0027%; no homozygotes.

Submission:

Ambry Genetics
Classification: Uncertain significance for Cardiovascular phenotype. Last evaluated: 2022-12-23. Review status: criteria provided, single submitter. Criteria: Ambry Variant Classification Scheme 2023. Collection method: clinical testing. Allele origin: germline.
Comment: The p.S688G variant (also known as c.2062A>G), located in coding exon 16 of the LAMA4 gene, results from an A to G substitution at nucleotide position 2062. The serine at codon 688 is replaced by glycine, an amino acid with similar properties. This amino acid position is conserved. In addition, this alteration is predicted to be tolerated by in silico analysis. Since supporting evidence is limited at this time, the clinical significance of this alteration remains unclear.